The following is an entry in ClinVar:

ClinVar aggregate classification (germline): Likely pathogenic (1 of 4 stars; one submission).

Conditions:
Medium-chain acyl-coenzyme A dehydrogenase deficiency (ACADMD). Also called: MCAD Deficiency; CARNITINE DEFICIENCY SECONDARY TO MEDIUM-CHAIN ACYL-CoA DEHYDROGENASE DEFICIENCY; MCADH DEFICIENCY; ACADM DEFICIENCY; MCADD; Medium chain acyl-CoA dehydrogenase deficiency. Identifiers: Orphanet 42, MedGen C0220710, MONDO:0008721, OMIM 201450.

Submission:

Natera, Inc.
Classification: Likely pathogenic for Medium Chain Acyl-CoA Dehydrogenase Deficiency. Last evaluated: 2025-08-25. Review status: criteria provided, single submitter. Criteria: Natera Variant Classification Schema (03/2026). Collection method: clinical testing. Allele origin: germline.
Comment: The c.470C>T variant in ACADM is a missense variant predicted to cause substitution of alanine to valine at amino acid 157. This variant is rare in the general population with a frequency below the threshold expected for the associated phenotype(s). This variant has been observed in one or more individuals affected with the associated recessive disease, as either homozygous or compound heterozygous with a second variant (PMID: 22630369). This variant has been identified in one or more affected individuals with a phenotype highly consistent with the associated gene (PMID: 22630369). Computational prediction algorithms indicate this variant is likely to affect gene or protein function. Given the available evidence, this variant is classified as Likely Pathogenic.

Literature cited by the submitters: PubMed 22630369.

NM_000016.6(ACADM):c.470C>T (p.Ala157Val)

Gene: ACADM (acyl-CoA dehydrogenase medium chain; plus strand). Cytogenetic location: 1p31.1.
Variant type: single nucleotide variant.
Coding change: c.470C>T on transcript NM_000016.6 (MANE Select); coding-DNA position 470, C replaced by T.
Protein change: p.Ala157Val; replaces alanine 157 with valine.
Molecular consequence: missense variant. On other transcripts: 5 prime UTR variant (1).
Genome position (GRCh38, 1-based): chr1:75,739,981, C>T. VCF-style: chr1-75739981-C-T. GRCh37 (hg19) VCF-style: chr1-76205666-C-T.
Other names: c.482C>T, p.Ala161Val (NM_001127328.3); c.362C>T, p.Ala121Val (NM_001286042.2); c.569C>T, p.Ala190Val (NM_001286043.2); c.-98C>T (NM_001286044.2); short protein forms A121V, A157V, A161V, A190V.
Identifiers: ClinVar variation 4814872 (VCV004814872.1).
Genomic context (GRCh38, chr1:75,739,981, plus strand): 5'-ACAGTCAAAATTTAATCACTAACATTTAATTTCATTTCTCTTGTTTTTATATATTCAAGG[C>T]TTATTGTGTAACAGAACCTGGAGCAGGCTCTGATGTAGCTGGTATAAAGACCAAAGCAGA-3'
Protein context (NP_000007.1, residues 147-167): GRMTEEPLMC[Ala157Val]YCVTEPGAGS